The following is an entry in ClinVar:

NC_000015.9:g.(72648959_72668060)_(72668815_?)del

Gene: HEXA (hexosaminidase subunit alpha; minus strand). Cytogenetic location: 15q23.
Variant type: Deletion.
Identifiers: ClinVar variation 1698490 (VCV001698490.1).

ClinVar aggregate classification (germline): Pathogenic (1 of 4 stars; one submission).

Conditions:
Tay-Sachs disease (TSD). Also called: HEXA Disorders; HEXA DEFICIENCY; GM2 gangliosidosis, type 1; Hexosaminidase alpha-subunit deficiency (variant B); Sphingolipidosis, Tay-Sachs; Hexosaminidase A Deficiency. Identifiers: Orphanet 845, MedGen C0039373, MONDO:0010100, OMIM 272800.

Submission:

Women's Health and Genetics/Laboratory Corporation of America, LabCorp
Classification: Pathogenic for Tay-Sachs disease. Last evaluated: 2022-06-01. Review status: criteria provided, single submitter. Criteria: LabCorp Variant Classification Summary - May 2015. Collection method: clinical testing. Allele origin: germline.
Comment: Variant summary: The variant identified by MLPA or other technology involves the deletion of exon 1 in the HEXA gene, which includes the start codon. A presumed nomenclature of c.(?_-502)_(253+1_254-1)del has been designated for the purposes of this classification. Although exact breakpoints of this deletion are not known, it is expected to result in a start loss in the HEXA gene. The variant was absent in 19954 control chromosomes. c.(?_-502)_(253+1_254-1)del has been reported in the literature in individuals affected with Tay-Sachs Disease. These data indicate that the variant may be associated with disease. One clinical diagnostic laboratory has submitted clinical-significance assessments for this variant to ClinVar after 2014 without evidence for independent evaluation and classified the variant as pathogenic. Based on the evidence outlined above, the variant was classified as pathogenic.

Literature cited by the submitters: PubMed 29973161.